The following is an entry in ClinVar:

NM_025000.4(DCAF17):c.289dup (p.Ile97fs)

Gene: DCAF17 (DDB1 and CUL4 associated factor 17; plus strand). Cytogenetic location: 2q31.1.
Variant type: Duplication.
Coding change: c.289dup on transcript NM_025000.4 (MANE Select); coding-DNA position 289, one base duplicated (A; older notation c.289dupA).
Protein change: p.Ile97fs; shifts the reading frame from isoleucine 97.
Molecular consequence: frameshift variant. On other transcripts: non-coding transcript variant (1).
Genome position (GRCh38, 1-based): chr2:171,443,581, A duplicated; the last of 6 consecutive A bases (chr2:171,443,576-171,443,581); duplicating any one gives the same sequence. VCF-style (leftmost placement, unchanged base first): chr2-171443575-G-GA. GRCh37 (hg19) VCF-style: chr2-172300085-G-GA.
Other names: c.289dup, p.Ile97fs (NM_001164821.2); short protein forms I97fs.
Identifiers: ClinVar variation 216916 (VCV000216916.5), dbSNP rs863224865, ClinGen allele CA278938.
Genomic context (GRCh38, chr2:171,443,575, plus strand): 5'-TTTCCCAGTGTTGCATCTGAGCCAAGAAAACTTTATGAAATGCCAAAATGTTCCAAATCA[G>GA]AAAAAATAGAGGATGCTTTATTATGGGAATGCCCAGTGGTAAGATTTGTTTTTAGAGCGT-3'

ClinVar aggregate classification (germline): Pathogenic. Review status: criteria provided, multiple submitters, no conflicts (2 of 4 stars). 2 submissions from 2 submitters: Pathogenic (2). Last evaluated 2023-01-28.

Conditions:
Woodhouse-Sakati syndrome. Also called: EXTRAPYRAMIDAL DISORDER, PROGRESSIVE, WITH PRIMARY HYPOGONADISM, MENTAL RETARDATION, AND ALOPECIA; Hypogonadism, diabetes mellitus, alopecia, mental retardation and electrocardiographic abnormalities; Hypogonadism, Alopecia, Diabetes Mellitus, Mental Retardation, and Extrapyramidal Syndrome. Identifiers: Orphanet 3464, MedGen C0342286, MONDO:0009419, OMIM 241080.

Submissions (2):

Labcorp Genetics (formerly Invitae), Labcorp
Classification: Pathogenic for Woodhouse-Sakati syndrome. Last evaluated: 2023-01-28. Review status: criteria provided, single submitter. Criteria: Invitae Variant Classification Sherloc (09022015). Collection method: clinical testing. Allele origin: germline.
Comment: This premature translational stop signal has been observed in individual(s) with autosomal recessive Woodhouse-Sakati syndrome (PMID: 25326637). For these reasons, this variant has been classified as Pathogenic. ClinVar contains an entry for this variant (Variation ID: 216916). This variant is not present in population databases (gnomAD no frequency). This sequence change creates a premature translational stop signal (p.Ile97Asnfs*22) in the DCAF17 gene. It is expected to result in an absent or disrupted protein product. Loss-of-function variants in DCAF17 are known to be pathogenic (PMID: 19026396, 20507343).

UCLA Clinical Genomics Center, UCLA
Classification: Pathogenic for Hypogonadism, diabetes mellitus, alopecia, mental retardation and electrocardiographic abnormalities. Last evaluated: 2014-04-15. Review status: criteria provided, single submitter. Criteria: Lee et al. (JAMA. 2014). Collection method: clinical testing. Allele origin: unknown. Inheritance: Autosomal recessive inheritance. Affected: yes. Study: CES.

Literature cited by the submitters: PubMed 25326637 (cited by Labcorp Genetics (formerly Invitae), Labcorp); PubMed 19026396 (cited by Labcorp Genetics (formerly Invitae), Labcorp); PubMed 20507343 (cited by Labcorp Genetics (formerly Invitae), Labcorp).